The following is an entry in ClinVar:

ClinVar aggregate classification (germline): Uncertain significance (1 of 4 stars; one submission).

Conditions:
Neurodevelopmental disorder with cataracts, poor growth, and dysmorphic facies. Identifiers: MedGen C5231414, MONDO:0032817, OMIM 618571.

gnomAD v4.1: 24 of 1,577,298 alleles (0.0015%); highest among the groups gnomAD compares: East Asian, 0.0047%; no homozygotes.

Submission:

Laboratorio de Genetica e Diagnostico Molecular, Hospital Israelita Albert Einstein
Classification: Uncertain significance for Neurodevelopmental disorder with cataracts, poor growth, and dysmorphic facies. Last evaluated: 2024-09-19. Review status: criteria provided, single submitter. Criteria: ACMG Guidelines, 2015. Collection method: clinical testing. Allele origin: germline. Affected: yes.
Comment: ACMG classification criteria: PM2 supporting, BP4 supporting

NM_001080453.3(INTS1):c.2063C>T (p.Ala688Val)

Gene: INTS1 (integrator complex subunit 1; minus strand). Cytogenetic location: 7p22.3.
Variant type: single nucleotide variant.
Coding change: c.2063C>T on transcript NM_001080453.3 (MANE Select); coding-DNA position 2063, C replaced by T.
Protein change: p.Ala688Val; replaces alanine 688 with valine.
Molecular consequence: missense variant.
Genome position (GRCh38, 1-based): chr7:1,493,759, G>A on the plus strand (C>T on the coding strand, the complement: INTS1 is on the minus strand). VCF-style: chr7-1493759-G-A. GRCh37 (hg19) VCF-style: chr7-1533395-G-A.
Other names: short protein forms A688V.
Identifiers: ClinVar variation 4056797 (VCV004056797.1).
Genomic context (GRCh38, chr7:1,493,759, plus strand): 5'-GCAGGGACGAGGGGAGCAGACCCAGCACAGGCGCCATCCCCTGCAGAAGCCATACCATCC[G>A]CCTGCACGGCAGCCGCCCGCTTCACCAGGTGGTCAGCAAGCTCCATGGCGTCCGCAGGCC-3'
Protein context (NP_001073922.2, residues 678-698): HLVKRAAAVQ[Ala688Val]DDVEVLKVGR